The following is an entry in ClinVar:

NM_000088.4(COL1A1):c.1929+4A>C

Gene: COL1A1 (collagen type I alpha 1 chain; minus strand). Cytogenetic location: 17q21.33.
Variant type: single nucleotide variant.
Coding change: c.1929+4A>C on transcript NM_000088.4 (MANE Select); 4 bases into the intron after coding-DNA position 1929, A replaced by C.
Molecular consequence: intron variant.
Genome position (GRCh38, 1-based): chr17:50,192,636, T>G on the plus strand (A>C on the coding strand, the complement: COL1A1 is on the minus strand). VCF-style: chr17-50192636-T-G. GRCh37 (hg19) VCF-style: chr17-48269997-T-G.
Identifiers: ClinVar variation 447139 (VCV000447139.8), dbSNP rs376244140, ClinGen allele CA291544248.

ClinVar aggregate classification (germline): Uncertain significance. Review status: criteria provided, multiple submitters, no conflicts (2 of 4 stars). 2 submissions from 2 submitters: Uncertain significance (2). Last evaluated 2025-06-24.

Conditions:
Osteogenesis imperfecta type I (OI1). Also called: OI, TYPE I; OSTEOGENESIS IMPERFECTA TARDA; OSTEOGENESIS IMPERFECTA WITH BLUE SCLERAE; Lobstein disease; Osteogenesis imperfecta type 1; Lobstein's Disease. Identifiers: Orphanet 216796, Orphanet 666, MedGen C0023931, MONDO:0008146, OMIM 166200. Disease mechanism: loss of function.

Allele frequency attached by ClinVar (database versions not stated): gnomAD exomes below 0.00001; TOPMed 0.00002; gnomAD 0.00004; ESP Exome Variant Server 0.00015.
gnomAD v4.1: 22 of 1,614,080 alleles (0.0014%); highest among the groups gnomAD compares: Non-Finnish European, 0.0017%; no homozygotes.

Submissions (2):

Labcorp Genetics (formerly Invitae), Labcorp
Classification: Uncertain significance for Osteogenesis imperfecta type I. Last evaluated: 2025-06-24. Review status: criteria provided, single submitter. Criteria: Invitae Variant Classification Sherloc (09022015). Collection method: clinical testing. Allele origin: germline.
Comment: This sequence change falls in intron 28 of the COL1A1 gene. It does not directly change the encoded amino acid sequence of the COL1A1 protein. It affects a nucleotide within the consensus splice site. This variant is present in population databases (rs376244140, gnomAD 0.003%). This variant has not been reported in the literature in individuals affected with COL1A1-related conditions. ClinVar contains an entry for this variant (Variation ID: 447139). Variants that disrupt the consensus splice site are a relatively common cause of aberrant splicing (PMID: 17576681, 9536098). Algorithms developed to predict the effect of sequence changes on RNA splicing suggest that this variant is not likely to affect RNA splicing. In summary, the available evidence is currently insufficient to determine the role of this variant in disease. Therefore, it has been classified as a Variant of Uncertain Significance.

Athena Diagnostics
Classification: Uncertain significance. Last evaluated: 2016-12-27. Review status: criteria provided, single submitter. Criteria: Athena Diagnostics Criteria. Collection method: clinical testing. Allele origin: germline.

Literature cited by the submitters: PubMed 17576681 (cited by Labcorp Genetics (formerly Invitae), Labcorp); PubMed 9536098 (cited by Labcorp Genetics (formerly Invitae), Labcorp).